The following is an entry in ClinVar:

NM_017491.5(WDR1):c.1577A>G (p.Asn526Ser)

Gene: WDR1 (WD repeat domain 1; minus strand). Cytogenetic location: 4p16.1.
Variant type: single nucleotide variant.
Coding change: c.1577A>G on transcript NM_017491.5 (MANE Select); coding-DNA position 1577, A replaced by G.
Protein change: p.Asn526Ser; replaces asparagine 526 with serine.
Molecular consequence: missense variant.
Genome position (GRCh38, 1-based): chr4:10,077,441, T>C on the plus strand (A>G on the coding strand, the complement: WDR1 is on the minus strand). VCF-style: chr4-10077441-T-C. GRCh37 (hg19) VCF-style: chr4-10079065-T-C.
Other names: c.1157A>G, p.Asn386Ser (NM_005112.5); short protein forms N386S, N526S.
Identifiers: ClinVar variation 4751216 (VCV004751216.1).

ClinVar aggregate classification (germline): Uncertain significance (1 of 4 stars; one submission).

gnomAD v4.1: 17 of 1,613,834 alleles (0.0011%); highest among the groups gnomAD compares: Middle Eastern, 0.016%; no homozygotes.

Submission:

Labcorp Genetics (formerly Invitae), Labcorp
Classification: Uncertain significance. Last evaluated: 2025-10-10. Review status: criteria provided, single submitter. Criteria: Invitae Variant Classification Sherloc (09022015). Collection method: clinical testing. Allele origin: germline.
Comment: This sequence change replaces asparagine, which is neutral and polar, with serine, which is neutral and polar, at codon 526 of the WDR1 protein (p.Asn526Ser). This variant is present in population databases (rs754446287, gnomAD 0.006%). This variant has not been reported in the literature in individuals affected with WDR1-related conditions. An algorithm developed to predict the effect of missense changes on protein structure and function (PolyPhen-2) suggests that this variant is likely to be tolerated. In summary, the available evidence is currently insufficient to determine the role of this variant in disease. Therefore, it has been classified as a Variant of Uncertain Significance.